The following is an entry in ClinVar:

NM_015335.5(MED13L):c.3247G>C (p.Ala1083Pro)

Gene: MED13L (mediator complex subunit 13L; minus strand). Cytogenetic location: 12q24.21.
Variant type: single nucleotide variant.
Coding change: c.3247G>C on transcript NM_015335.5 (MANE Select); coding-DNA position 3247, G replaced by C.
Protein change: p.Ala1083Pro; replaces alanine 1083 with proline.
Molecular consequence: missense variant.
Genome position (GRCh38, 1-based): chr12:115,991,707, C>G on the plus strand (G>C on the coding strand, the complement: MED13L is on the minus strand). VCF-style: chr12-115991707-C-G. GRCh37 (hg19) VCF-style: chr12-116429512-C-G.
Other names: short protein forms A1083P.
Identifiers: ClinVar variation 3632576 (VCV003632576.2).
Genomic context (GRCh38, chr12:115,991,707, plus strand): 5'-TTGGCTGCATGGTGGCGGGCTCCACAGAGTTGAGGGGCCGTGTAGTAGAGGGGGTGGAGG[C>G]TGGTGATCCTTGATCGGTGCTATCATACTTAACAGACCCTTGACCACTGGCAGTGCCCCC-3'
Protein context (NP_056150.1, residues 1073-1093): KYDSTDQGSP[Ala1083Pro]STPSTTRPLN

ClinVar aggregate classification (germline): Uncertain significance (1 of 4 stars; one submission).

Conditions:
Dextro-looped transposition of the great arteries. Also called: Dextrotransposition of the great arteries. Identifiers: Orphanet 860, MedGen C3531771, MONDO:0019443, OMIM 608808, HP:0031348.

gnomAD v4.1: 4 of 1,613,770 alleles (0.00025%); highest among the groups gnomAD compares: Non-Finnish European, 0.00034%; no homozygotes.

Submission:

Labcorp Genetics (formerly Invitae), Labcorp
Classification: Uncertain significance for Dextro-looped transposition of the great arteries. Last evaluated: 2024-05-01. Review status: criteria provided, single submitter. Criteria: Invitae Variant Classification Sherloc (09022015). Collection method: clinical testing. Allele origin: germline.
Comment: This sequence change replaces alanine, which is neutral and non-polar, with proline, which is neutral and non-polar, at codon 1083 of the MED13L protein (p.Ala1083Pro). This variant is not present in population databases (gnomAD no frequency). This variant has not been reported in the literature in individuals affected with MED13L-related conditions. Advanced modeling of protein sequence and biophysical properties (such as structural, functional, and spatial information, amino acid conservation, physicochemical variation, residue mobility, and thermodynamic stability) performed at Invitae indicates that this missense variant is not expected to disrupt MED13L protein function with a negative predictive value of 80%. In summary, the available evidence is currently insufficient to determine the role of this variant in disease. Therefore, it has been classified as a Variant of Uncertain Significance.